The following is an entry in ClinVar:

ClinVar aggregate classification (germline): Likely benign (1 of 4 stars; one submission).

Allele frequency attached by ClinVar (database versions not stated): ExAC 0.00002; gnomAD 0.00003; TOPMed 0.00003; gnomAD exomes 0.00004.
gnomAD v4.1: 63 of 1,612,676 alleles (0.0039%); highest among the groups gnomAD compares: East Asian, 0.053%; no homozygotes.

Submission:

CeGaT Center for Human Genetics Tuebingen
Classification: Likely benign. Last evaluated: 2022-10-01. Review status: criteria provided, single submitter. Criteria: CeGaT Center For Human Genetics Tuebingen Variant Classification Criteria Version 2. Collection method: clinical testing. Allele origin: germline. Affected: yes. Observed: 1 variant allele.
Comment: SLC12A7: BP4, BP7

NM_006598.3(SLC12A7):c.1359G>A (p.Thr453=)

Gene: SLC12A7 (solute carrier family 12 member 7; minus strand). Cytogenetic location: 5p15.33.
Variant type: single nucleotide variant.
Coding change: c.1359G>A on transcript NM_006598.3 (MANE Select); coding-DNA position 1359, G replaced by A.
Protein change: p.Thr453=; no amino-acid change (threonine 453 retained).
Molecular consequence: synonymous variant.
Genome position (GRCh38, 1-based): chr5:1,079,435, C>T on the plus strand (G>A on the coding strand, the complement: SLC12A7 is on the minus strand). VCF-style: chr5-1079435-C-T. GRCh37 (hg19) VCF-style: chr5-1079550-C-T.
Identifiers: ClinVar variation 2655267 (VCV002655267.24), dbSNP rs774595734, ClinGen allele CA3181890.